The following is an entry in ClinVar:

ClinVar aggregate classification (germline): Uncertain significance (1 of 4 stars; one submission).

Submission:

Labcorp Genetics (formerly Invitae), Labcorp
Classification: Uncertain significance. Last evaluated: 2022-09-06. Review status: criteria provided, single submitter. Criteria: Invitae Variant Classification Sherloc (09022015). Collection method: clinical testing. Allele origin: germline.
Comment: In summary, the available evidence is currently insufficient to determine the role of this variant in disease. Therefore, it has been classified as a Variant of Uncertain Significance. Algorithms developed to predict the effect of missense changes on protein structure and function are either unavailable or do not agree on the potential impact of this missense change (SIFT: "Tolerated"; PolyPhen-2: "Probably Damaging"; Align-GVGD: "Class C0"). This variant has not been reported in the literature in individuals affected with ACBD5-related conditions. This variant is not present in population databases (gnomAD no frequency). This sequence change replaces alanine, which is neutral and non-polar, with valine, which is neutral and non-polar, at codon 118 of the ACBD5 protein (p.Ala118Val).

NM_145698.5(ACBD5):c.353C>T (p.Ala118Val)

Gene: ACBD5 (acyl-CoA binding domain containing 5; minus strand). Cytogenetic location: 10p12.1.
Variant type: single nucleotide variant.
Coding change: c.353C>T on transcript NM_145698.5 (MANE Select); coding-DNA position 353, C replaced by T.
Protein change: p.Ala118Val; replaces alanine 118 with valine.
Molecular consequence: missense variant.
Genome position (GRCh38, 1-based): chr10:27,231,770, G>A on the plus strand (C>T on the coding strand, the complement: ACBD5 is on the minus strand). VCF-style: chr10-27231770-G-A. GRCh37 (hg19) VCF-style: chr10-27520699-G-A.
Other names: c.248C>T, p.Ala83Val (NM_001042473.4, NM_001352574.2, NM_001352575.2 and 6 more transcripts); c.347C>T, p.Ala116Val (NM_001271512.3, NM_001352571.1, NM_001352586.1 and 1 more transcripts); c.26C>T, p.Ala9Val (NM_001301251.2, NM_001301252.2, NM_001301253.2 and 4 more transcripts); c.374C>T, p.Ala125Val (NM_001352568.1, NM_001352572.1); c.353C>T, p.Ala118Val (NM_001352569.1, NM_001352570.1, NM_001352573.1 and 2 more transcripts); short protein forms A9V, A116V, A118V, A83V, A125V.
Identifiers: ClinVar variation 2107097 (VCV002107097.4), dbSNP rs2541362101, ClinGen allele CA376377465.